The following is an entry in ClinVar:

ClinVar aggregate classification (germline): Benign/Likely benign. Review status: criteria provided, multiple submitters, no conflicts (2 of 4 stars). 4 submissions from 4 submitters: Benign (1); Likely benign (3). Last evaluated 2024-10-02.

Conditions:
Hereditary cancer-predisposing syndrome. Also called: Hereditary Cancer Syndrome; Neoplastic Syndromes, Hereditary; Tumor predisposition; Hereditary neoplastic syndrome. Identifiers: Orphanet 140162, MedGen C0027672, MeSH D009386, MONDO:0015356.
Familial cancer of breast. Also called: BREAST CANCER, FAMILIAL; Hereditary breast cancer; hereditary breast carcinoma. Identifiers: Orphanet 227535, MedGen C0346153, MONDO:0016419, OMIM 114480. Disease mechanism: loss of function.
Ataxia-telangiectasia syndrome (AT). Also called: Cerebello-oculocutaneous telangiectasia; Immunodeficiency with ataxia telangiectasia; Ataxia-telangiectasia, complementation group E; Ataxia-telangiectasia, complementation group D; AT, COMPLEMENTATION GROUP C; ATAXIA-TELANGIECTASIA, COMPLEMENTATION GROUP A. Identifiers: Orphanet 100, MedGen C0004135, MONDO:0008840, OMIM 208900.

Submissions (4):

Ambry Genetics
Classification: Likely benign for Hereditary cancer-predisposing syndrome. Last evaluated: 2024-10-02. Review status: criteria provided, single submitter. Criteria: Ambry Variant Classification Scheme 2023. Collection method: clinical testing. Allele origin: germline.

Myriad Genetics, Inc.
Classification: Benign for Familial cancer of breast. Last evaluated: 2024-05-24. Review status: criteria provided, single submitter. Criteria: Myriad Autosomal Dominant, Autosomal Recessive and X-Linked Classification Criteria (2023). Collection method: clinical testing. Allele origin: unknown.
Comment: This variant is considered benign. This variant is a silent/synonymous amino acid change and it is not expected to impact splicing.

Labcorp Genetics (formerly Invitae), Labcorp
Classification: Likely benign for Ataxia-telangiectasia syndrome. Last evaluated: 2024-03-06. Review status: criteria provided, single submitter. Criteria: Invitae Variant Classification Sherloc (09022015). Collection method: clinical testing. Allele origin: germline.

Women's Health and Genetics/Laboratory Corporation of America, LabCorp
Classification: Likely benign. Last evaluated: 2019-12-07. Review status: criteria provided, single submitter. Criteria: LabCorp Variant Classification Summary - May 2015. Collection method: clinical testing. Allele origin: germline.

NM_000051.4(ATM):c.5865A>G (p.Leu1955=)

Genes: ATM (ATM serine/threonine kinase; plus strand), C11orf65 (chromosome 11 open reading frame 65; minus strand). Cytogenetic location: 11q22.3.
Variant type: single nucleotide variant.
Coding change: c.5865A>G on transcript NM_000051.4 (MANE Select); coding-DNA position 5865, A replaced by G.
Protein change: p.Leu1955=; no amino-acid change (leucine 1955 retained).
Molecular consequence: synonymous variant. On other transcripts: intron variant (2).
Genome position (GRCh38, 1-based): chr11:108,310,262, A>G. VCF-style: chr11-108310262-A-G. GRCh37 (hg19) VCF-style: chr11-108180989-A-G.
Other names: c.5865A>G, p.Leu1955= (NM_001351834.2); c.641-1191T>C (NM_001330368.2); c.*39-1191T>C (NM_001351110.2).
Identifiers: ClinVar variation 524447 (VCV000524447.13), dbSNP rs1555110432, ClinGen allele CA476675497.